The following is an entry in ClinVar:

NM_001371279.1(REEP1):c.72C>A (p.Tyr24Ter)

Gene: REEP1 (receptor accessory protein 1; minus strand). Cytogenetic location: 2p11.2.
Variant type: single nucleotide variant.
Coding change: c.72C>A on transcript NM_001371279.1 (MANE Select); coding-DNA position 72, C replaced by A.
Protein change: p.Tyr24Ter; replaces tyrosine 24 with a stop codon.
Molecular consequence: nonsense. On other transcripts: intron variant (1).
Genome position (GRCh38, 1-based): chr2:86,282,203, G>T on the plus strand (C>A on the coding strand, the complement: REEP1 is on the minus strand). VCF-style: chr2-86282203-G-T. GRCh37 (hg19) VCF-style: chr2-86509326-G-T.
Other names: c.93C>A, p.Tyr31Ter (NM_001164730.2); c.72C>A, p.Tyr24Ter (NM_001164732.2, NM_001371280.1, NM_001410855.1 and 2 more transcripts); c.25-18162C>A (NM_001164731.2); short protein forms Y31*, Y24*.
Identifiers: ClinVar variation 2702392 (VCV002702392.4), dbSNP rs2468983090, ClinGen allele CA347722613.

ClinVar aggregate classification (germline): Pathogenic/Likely pathogenic. Review status: criteria provided, multiple submitters, no conflicts (2 of 4 stars). 2 submissions from 2 submitters: Pathogenic (1); Likely pathogenic (1). Last evaluated 2026-04-08.

Conditions:
REEP1-related disorder. Also called: REEP1-related condition.
Hereditary spastic paraplegia 31. Also called: SPASTIC PARAPLEGIA 31, AUTOSOMAL DOMINANT. Identifiers: Orphanet 101011, MedGen C1853247, MONDO:0012453, OMIM 610250.

Submissions (2):

PreventionGenetics, part of Exact Sciences
Classification: Likely pathogenic for REEP1-related condition. Last evaluated: 2026-04-08. Review status: criteria provided, single submitter. Criteria: ACMG Guidelines, 2015. Collection method: clinical testing. Allele origin: germline.
Comment: The REEP1 c.72C>A variant is predicted to result in premature protein termination (p.Tyr24*). To our knowledge, this variant has not been reported in the literature or in a large population database (gnomAD), indicating this variant is rare. Nonsense variants in REEP1 are expected to be pathogenic for autosomal dominant REEP1-related disorders (Beetz et al. 2008. PubMed ID: 18321925; Schlang et al. 2008. PubMed ID: 18644145). This variant is interpreted as likely pathogenic.

Labcorp Genetics (formerly Invitae), Labcorp
Classification: Pathogenic for Hereditary spastic paraplegia 31. Last evaluated: 2023-12-12. Review status: criteria provided, single submitter. Criteria: Invitae Variant Classification Sherloc (09022015). Collection method: clinical testing. Allele origin: germline.
Comment: This sequence change creates a premature translational stop signal (p.Tyr24*) in the REEP1 gene. It is expected to result in an absent or disrupted protein product. Loss-of-function variants in REEP1 are known to be pathogenic (PMID: 18321925, 18644145, 32655478). This variant is not present in population databases (gnomAD no frequency). This variant has not been reported in the literature in individuals affected with REEP1-related conditions. For these reasons, this variant has been classified as Pathogenic.

Literature cited by the submitters: PubMed 18321925 (cited by Labcorp Genetics (formerly Invitae), Labcorp); PubMed 18644145 (cited by Labcorp Genetics (formerly Invitae), Labcorp); PubMed 32655478 (cited by Labcorp Genetics (formerly Invitae), Labcorp).